The following is an entry in ClinVar:

NM_000059.4(BRCA2):c.5514G>A (p.Glu1838=)

Gene: BRCA2 (BRCA2 DNA repair associated; plus strand). Cytogenetic location: 13q13.1.
Variant type: single nucleotide variant.
Coding change: c.5514G>A on transcript NM_000059.4 (MANE Select); coding-DNA position 5514, G replaced by A.
Protein change: p.Glu1838=; no amino-acid change (glutamic acid 1838 retained).
Molecular consequence: synonymous variant.
Genome position (GRCh38, 1-based): chr13:32,339,869, G>A. VCF-style: chr13-32339869-G-A. GRCh37 (hg19) VCF-style: chr13-32914006-G-A.
Identifiers: ClinVar variation 1049877 (VCV001049877.1), dbSNP rs1593905671, ClinGen allele CA483438515.

ClinVar aggregate classification (germline): Uncertain significance (0 of 4 stars; one submission).

Conditions:
Breast-ovarian cancer, familial, susceptibility to, 2 (BROVCA2). Also called: BRCA2 Hereditary Breast and Ovarian Cancer. Identifiers: Orphanet 145, MedGen C2675520, MONDO:0012933, OMIM 612555. Disease mechanism: loss of function.

Submission:

Department of Pathology and Laboratory Medicine, Sinai Health System
Classification: Uncertain significance for Breast-ovarian cancer, familial, susceptibility to, 2. Review status: no assertion criteria provided. Collection method: clinical testing. Allele origin: unknown. Affected: yes. Study: The Canadian Open Genetics Repository (COGR).
Comment: The BRCA2 p.Glu1838= variant was not identified in the literature nor was it identified in the dbSNP, ClinVar, LOVD 3.0, or UMD-LSDB, databases. The variant was not identified in the following control databases: the Exome Aggregation Consortium (August 8th 2016), or the Genome Aggregation Database (Feb 27, 2017). The p.Glu1838= variant is not expected to have clinical significance because it does not result in a change of amino acid and is not located in a known consensus splice site. The variant occurs outside of the splicing consensus sequence and 3 of 4 in silico or computational prediction software programs (SpliceSiteFinder, MaxEntScan, NNSPLICE, GeneSplicer) predict a greater than 10% difference in splicing. However, this information is not predictive enough to assume pathogenicity. In summary, based on the above information the clinical significance of this variant cannot be determined with certainty at this time. This variant is classified as a variant of uncertain significance.